The following is an entry in ClinVar:

NM_000268.4(NF2):c.733G>A (p.Asp245Asn)

Gene: NF2 (NF2, moesin-ezrin-radixin like (MERLIN) tumor suppressor; plus strand). Cytogenetic location: 22q12.2.
Variant type: single nucleotide variant.
Coding change: c.733G>A on transcript NM_000268.4 (MANE Select); coding-DNA position 733, G replaced by A.
Protein change: p.Asp245Asn; replaces aspartic acid 245 with asparagine.
Molecular consequence: missense variant. On other transcripts: non-coding transcript variant (1), intron variant (1).
Genome position (GRCh38, 1-based): chr22:29,661,262, G>A. VCF-style: chr22-29661262-G-A. GRCh37 (hg19) VCF-style: chr22-30057251-G-A.
Other names: c.733G>A, p.Asp245Asn (NM_016418.5, NM_181825.3, NM_181832.3); c.607G>A, p.Asp203Asn (NM_181828.3); c.610G>A, p.Asp204Asn (NM_181829.3); c.484G>A, p.Asp162Asn (NM_181830.3, NM_181831.3); c.447+18977G>A (NM_181833.3); short protein forms D162N, D203N, D204N, D245N.
Identifiers: ClinVar variation 948122 (VCV000948122.16), dbSNP rs2066468835, ClinGen allele CA411143849.
Genomic context (GRCh38, chr22:29,661,262, plus strand): 5'-CAGAATAAAAAGGGCACAGAGCTGCTGCTTGGAGTGGATGCCCTGGGGCTTCACATTTAT[G>A]ACCCTGAGAACAGACTGACCCCCAAGATCTCCTTCCCGTGGAATGAAATCCGAAACATCT-3'
Protein context (NP_000259.1, residues 235-255): GVDALGLHIY[Asp245Asn]PENRLTPKIS

ClinVar aggregate classification (germline): Uncertain significance. Review status: criteria provided, multiple submitters, no conflicts (2 of 4 stars). 4 submissions from 4 submitters: Uncertain significance (4). Last evaluated 2026-05-18.

Conditions:
Hereditary cancer-predisposing syndrome. Also called: Neoplastic Syndromes, Hereditary; Tumor predisposition; Hereditary Cancer Syndrome; Hereditary neoplastic syndrome. Identifiers: Orphanet 140162, MedGen C0027672, MeSH D009386, MONDO:0015356.
Neurofibromatosis, type 2 (SWNV). Also called: BILATERAL ACOUSTIC NEUROFIBROMATOSIS; SCHWANNOMATOSIS, VESTIBULAR; NF2-Related Schwannomatosis. Identifiers: Orphanet 637, MedGen C0027832, MONDO:0007039, OMIM 101000. Disease mechanism: loss of function.

Allele frequency attached by ClinVar (database versions not stated): gnomAD exomes below 0.00001.

Submissions (4):

Women's Health and Genetics/Laboratory Corporation of America, LabCorp
Classification: Uncertain significance. Last evaluated: 2026-05-18. Review status: criteria provided, single submitter. Criteria: LabCorp Variant Classification Summary - May 2015. Collection method: clinical testing. Allele origin: germline.
Comment: Variant summary: NF2 c.733G>A (p.Asp245Asn) results in a conservative amino acid change in the encoded protein sequence. Algorithms developed to predict the effect of missense changes on protein structure and function are either unavailable or do not agree on the potential impact of this missense change. The variant was absent in 251490 control chromosomes. The available data on variant occurrences in the general population are insufficient to allow any conclusion about variant significance. To our knowledge, no occurrence of c.733G>A in individuals affected with NF2-related conditions and no experimental evidence demonstrating its impact on protein function have been reported. ClinVar contains an entry for this variant (Variation ID: 948122). Based on the evidence outlined above, the variant was classified as uncertain significance.

Ambry Genetics
Classification: Uncertain significance for Hereditary cancer-predisposing syndrome. Last evaluated: 2025-11-10. Review status: criteria provided, single submitter. Criteria: Ambry Variant Classification Scheme 2023. Collection method: clinical testing. Allele origin: germline.
Comment: The p.D245N variant (also known as c.733G>A), located in coding exon 8 of the NF2 gene, results from a G to A substitution at nucleotide position 733. The aspartic acid at codon 245 is replaced by asparagine, an amino acid with highly similar properties. This amino acid position is not well conserved in available vertebrate species. In addition, this alteration is predicted to be tolerated by in silico analysis. Since supporting evidence is limited at this time, the clinical significance of this alteration remains unclear.

Labcorp Genetics (formerly Invitae), Labcorp
Classification: Uncertain significance for Neurofibromatosis, type 2. Last evaluated: 2025-09-23. Review status: criteria provided, single submitter. Criteria: Invitae Variant Classification Sherloc (09022015). Collection method: clinical testing. Allele origin: germline.
Comment: This sequence change replaces aspartic acid, which is acidic and polar, with asparagine, which is neutral and polar, at codon 245 of the NF2 protein (p.Asp245Asn). This variant is not present in population databases (gnomAD no frequency). This variant has not been reported in the literature in individuals affected with NF2-related conditions. ClinVar contains an entry for this variant (Variation ID: 948122). Invitae Evidence Modeling of protein sequence and biophysical properties (such as structural, functional, and spatial information, amino acid conservation, physicochemical variation, residue mobility, and thermodynamic stability) indicates that this missense variant is not expected to disrupt NF2 protein function with a negative predictive value of 80%. In summary, the available evidence is currently insufficient to determine the role of this variant in disease. Therefore, it has been classified as a Variant of Uncertain Significance.

All of Us Research Program, National Institutes of Health
Classification: Uncertain significance for Neurofibromatosis, type 2. Last evaluated: 2023-11-30. Review status: criteria provided, single submitter. Criteria: ACMG Guidelines, 2015. Collection method: clinical testing. Allele origin: germline. Inheritance: Autosomal dominant inheritance. Observed: 1 variant allele, 1 heterozygote.
Comment: This study involves interpretation of variants in research participants for the purpose of population health screening. Participant phenotype was not available at the time of variant classification. Additional details can be found in publication PMID: 35346344, PMCID: PMC8962531